The following is an entry in ClinVar:

NM_001184.4(ATR):c.5846A>T (p.Glu1949Val)

Gene: ATR (ATR serine/threonine kinase; minus strand). Cytogenetic location: 3q23.
Variant type: single nucleotide variant.
Coding change: c.5846A>T on transcript NM_001184.4 (MANE Select); coding-DNA position 5846, A replaced by T.
Protein change: p.Glu1949Val; replaces glutamic acid 1949 with valine.
Molecular consequence: missense variant.
Genome position (GRCh38, 1-based): chr3:142,496,413, T>A on the plus strand (A>T on the coding strand, the complement: ATR is on the minus strand). VCF-style: chr3-142496413-T-A. GRCh37 (hg19) VCF-style: chr3-142215255-T-A.
Other names: c.5654A>T, p.Glu1885Val (NM_001354579.2); short protein forms E1949V, E1885V.
Identifiers: ClinVar variation 3462975 (VCV003462975.1).

ClinVar aggregate classification (germline): Uncertain significance (1 of 4 stars; one submission).

Conditions:
Inborn genetic diseases. Identifiers: MedGen C0950123, MeSH D030342.

Submission:

Ambry Genetics
Classification: Uncertain significance for Inborn genetic diseases. Last evaluated: 2024-10-08. Review status: criteria provided, single submitter. Criteria: Ambry Variant Classification Scheme 2023. Collection method: clinical testing. Allele origin: germline.
Comment: The p.E1949V variant (also known as c.5846A>T), located in coding exon 34 of the ATR gene, results from an A to T substitution at nucleotide position 5846. The glutamic acid at codon 1949 is replaced by valine, an amino acid with dissimilar properties. This amino acid position is conserved. In addition, this alteration is predicted to be tolerated by in silico analysis. Based on the available evidence, the clinical significance of this variant remains unclear.